The following is an entry in ClinVar:

ClinVar aggregate classification (germline): Uncertain significance (1 of 4 stars; one submission).

Conditions:
Hereditary pancreatitis (PCTT). Also called: Hereditary chronic pancreatitis; PRSS1-Related Hereditary Pancreatitis. Identifiers: Orphanet 676, MedGen C0238339, MONDO:0008185, OMIM 167800.

Submission:

Ambry Genetics
Classification: Uncertain significance for Hereditary pancreatitis. Last evaluated: 2024-10-31. Review status: criteria provided, single submitter. Criteria: Ambry Variant Classification Scheme 2023. Collection method: clinical testing. Allele origin: germline.
Comment: The p.D100G variant (also known as c.299A>G), located in coding exon 3 of the PRSS1 gene, results from an A to G substitution at nucleotide position 299. The aspartic acid at codon 100 is replaced by glycine, an amino acid with similar properties. This amino acid position is conserved. In addition, the in silico prediction for this alteration is inconclusive. Based on the available evidence, the clinical significance of this variant remains unclear.

NM_002769.5(PRSS1):c.299A>G (p.Asp100Gly)

Genes: PRSS1 (serine protease 1; plus strand), TRB (T cell receptor beta locus; plus strand). Cytogenetic location: 7q34.
Variant type: single nucleotide variant.
Coding change: c.299A>G on transcript NM_002769.5 (MANE Select); coding-DNA position 299, A replaced by G.
Protein change: p.Asp100Gly; replaces aspartic acid 100 with glycine.
Molecular consequence: missense variant. On other transcripts: non-coding transcript variant (4).
Genome position (GRCh38, 1-based): chr7:142,751,872, A>G. VCF-style: chr7-142751872-A-G. GRCh37 (hg19) VCF-style: chr7-142459723-A-G.
Other names: short protein forms D100G.
Identifiers: ClinVar variation 3426340 (VCV003426340.1).